The following is an entry in ClinVar:

NM_007373.4(SHOC2):c.936A>C (p.Leu312Phe)

Gene: SHOC2 (SHOC2 leucine rich repeat scaffold protein; plus strand). Cytogenetic location: 10q25.2.
Variant type: single nucleotide variant.
Coding change: c.936A>C on transcript NM_007373.4 (MANE Select); coding-DNA position 936, A replaced by C.
Protein change: p.Leu312Phe; replaces leucine 312 with phenylalanine.
Molecular consequence: missense variant. On other transcripts: non-coding transcript variant (1).
Genome position (GRCh38, 1-based): chr10:111,000,509, A>C. VCF-style: chr10-111000509-A-C. GRCh37 (hg19) VCF-style: chr10-112760267-A-C.
Other names: c.798A>C, p.Leu266Phe (NM_001269039.3); c.936A>C, p.Leu312Phe (NM_001324336.2, NM_001324337.2); short protein forms L266F, L312F.
Identifiers: ClinVar variation 3720042 (VCV003720042.2).
Genomic context (GRCh38, chr10:111,000,509, plus strand): 5'-ATATAACAGACTGTCAGCAATACCCAGATCATTAGCAAAATGCAGTGCACTTGAAGAATT[A>C]AATTTAGAGAACAATAACATTTCTACTTTACCAGAGGTAAGAAGTGGATTAGAGAAAACA-3'
Protein context (NP_031399.2, residues 302-322): SLAKCSALEE[Leu312Phe]NLENNNISTL

ClinVar aggregate classification (germline): Uncertain significance (1 of 4 stars; one submission).

Conditions:
RASopathy. Also called: rasopathies; Noonan spectrum disorder. Identifiers: Orphanet 536391, MedGen C5555857, MONDO:0021060.

Submission:

Labcorp Genetics (formerly Invitae), Labcorp
Classification: Uncertain significance for RASopathy. Last evaluated: 2025-01-19. Review status: criteria provided, single submitter. Criteria: Invitae Variant Classification Sherloc (09022015). Collection method: clinical testing. Allele origin: germline.
Comment: This sequence change replaces leucine, which is neutral and non-polar, with phenylalanine, which is neutral and non-polar, at codon 312 of the SHOC2 protein (p.Leu312Phe). This variant is not present in population databases (gnomAD no frequency). This variant has not been reported in the literature in individuals affected with SHOC2-related conditions. Invitae Evidence Modeling of protein sequence and biophysical properties (such as structural, functional, and spatial information, amino acid conservation, physicochemical variation, residue mobility, and thermodynamic stability) indicates that this missense variant is not expected to disrupt SHOC2 protein function with a negative predictive value of 80%. In summary, the available evidence is currently insufficient to determine the role of this variant in disease. Therefore, it has been classified as a Variant of Uncertain Significance.